The following is an entry in ClinVar:

NM_017636.4(TRPM4):c.2297G>A (p.Arg766His)

Gene: TRPM4 (transient receptor potential cation channel subfamily M member 4; plus strand). Cytogenetic location: 19q13.33.
Variant type: single nucleotide variant.
Coding change: c.2297G>A on transcript NM_017636.4 (MANE Select); coding-DNA position 2297, G replaced by A.
Protein change: p.Arg766His; replaces arginine 766 with histidine.
Molecular consequence: missense variant. On other transcripts: intron variant (1).
Genome position (GRCh38, 1-based): chr19:49,196,526, G>A. VCF-style: chr19-49196526-G-A. GRCh37 (hg19) VCF-style: chr19-49699783-G-A.
Other names: c.1952G>A, p.Arg651His (NM_001321281.2); c.689G>A, p.Arg230His (NM_001321282.2); c.1775G>A, p.Arg592His (NM_001321283.2); c.1235G>A, p.Arg412His (NM_001321285.2); c.2211-3774G>A (NM_001195227.2); short protein forms R230H, R412H, R592H, R651H, R766H.
Identifiers: ClinVar variation 4807410 (VCV004807410.1).

ClinVar aggregate classification (germline): Uncertain significance (1 of 4 stars; one submission).

Conditions:
Progressive familial heart block type IB (PFHB1B). Identifiers: Orphanet 871, MedGen C1970298, MONDO:0011474, OMIM 604559.

Submission:

Labcorp Genetics (formerly Invitae), Labcorp
Classification: Uncertain significance for Progressive familial heart block type IB. Last evaluated: 2025-12-08. Review status: criteria provided, single submitter. Criteria: Invitae Variant Classification Sherloc (09022015). Collection method: clinical testing. Allele origin: germline.
Comment: This sequence change replaces arginine, which is basic and polar, with histidine, which is basic and polar, at codon 766 of the TRPM4 protein (p.Arg766His). This variant is not present in population databases (gnomAD no frequency). This variant has not been reported in the literature in individuals affected with TRPM4-related conditions. An algorithm developed to predict the effect of missense changes on protein structure and function outputs the following: PolyPhen-2: "Benign". The histidine amino acid residue is found in multiple mammalian species, which suggests that this missense change does not adversely affect protein function. In summary, the available evidence is currently insufficient to determine the role of this variant in disease. Therefore, it has been classified as a Variant of Uncertain Significance.